The following is an entry in ClinVar:

ClinVar aggregate classification (germline): Benign/Likely benign. Review status: criteria provided, multiple submitters, no conflicts (2 of 4 stars). 6 submissions from 6 submitters: Benign (3); Likely benign (2). 1 of the submissions does not count toward it. Last evaluated 2026-03-01.

Conditions:
MORC2-related disorder. Also called: MORC2-related condition.
Charcot-Marie-Tooth disease axonal type 2Z. Also called: CHARCOT-MARIE-TOOTH DISEASE, AXONAL, AUTOSOMAL DOMINANT, TYPE 2Z; CHARCOT-MARIE-TOOTH NEUROPATHY, TYPE 2Z. Identifiers: Orphanet 466768, MedGen C5569025, MONDO:0014736, OMIM 616688.

Allele frequency attached by ClinVar (database versions not stated): gnomAD exomes 0.00008 and 0.00025; ExAC 0.00028; gnomAD 0.00088 and 0.00091; TOPMed 0.00094; ESP Exome Variant Server 0.00100; 1000 Genomes Project 30x 0.00141; 1000 Genomes Project 0.00160.
gnomAD v4.1: 266 of 1,614,162 alleles (0.016%); highest among the groups gnomAD compares: African/African-American, 0.31%; no homozygotes.

Submissions (6):

CeGaT Center for Human Genetics Tuebingen
Classification: Likely benign. Last evaluated: 2026-03-01. Review status: criteria provided, single submitter. Criteria: CeGaT Center For Human Genetics Tuebingen Variant Classification Criteria Version 2. Collection method: clinical testing. Allele origin: germline. Affected: yes. Observed: 1 variant allele.
Comment: MORC2: BP4, BP7, BS1

Labcorp Genetics (formerly Invitae), Labcorp
Classification: Benign for Charcot-Marie-Tooth disease axonal type 2Z. Last evaluated: 2025-12-21. Review status: criteria provided, single submitter. Criteria: Invitae Variant Classification Sherloc (09022015). Collection method: clinical testing. Allele origin: germline.

Women's Health and Genetics/Laboratory Corporation of America, LabCorp
Classification: Benign. Last evaluated: 2025-12-08. Review status: criteria provided, single submitter. Criteria: LabCorp Variant Classification Summary - May 2015. Collection method: clinical testing. Allele origin: germline.

Blueprint Genetics
Classification: Likely benign. Last evaluated: 2024-06-05. Review status: criteria provided, single submitter. Criteria: ACMG Guidelines, 2015. Collection method: clinical testing. Allele origin: germline.

GeneDx
Classification: Benign. Last evaluated: 2021-08-14. Review status: criteria provided, single submitter. Criteria: GeneDx Variant Classification Process June 2021. Collection method: clinical testing. Allele origin: germline. Affected: yes.
Comment: See Variant Classification Assertion Criteria.

PreventionGenetics, part of Exact Sciences
Classification: Likely benign for MORC2-related condition. Last evaluated: 2019-08-29. Review status: no assertion criteria provided. Collection method: clinical testing. Allele origin: germline. Not counted in ClinVar's aggregate classification.
Comment: This variant is classified as likely benign based on ACMG/AMP sequence variant interpretation guidelines (Richards et al. 2015 PMID: 25741868, with internal and published modifications).

NM_001303256.3(MORC2):c.2583C>T (p.Ser861=)

Gene: MORC2 (MORC family CW-type zinc finger 2; minus strand). Cytogenetic location: 22q12.2.
Variant type: single nucleotide variant.
Coding change: c.2583C>T on transcript NM_001303256.3 (MANE Select); coding-DNA position 2583, C replaced by T.
Protein change: p.Ser861=; no amino-acid change (serine 861 retained).
Molecular consequence: synonymous variant.
Genome position (GRCh38, 1-based): chr22:30,932,709, G>A on the plus strand (C>T on the coding strand, the complement: MORC2 is on the minus strand). VCF-style: chr22-30932709-G-A. GRCh37 (hg19) VCF-style: chr22-31328696-G-A.
Other names: c.2583C>T, p.Ser861= (NM_001303257.2); c.2397C>T, p.Ser799= (NM_014941.3).
Identifiers: ClinVar variation 542298 (VCV000542298.23), dbSNP rs140142437, ClinGen allele CA10186614.